The following is an entry in ClinVar:

NM_015107.3(PHF8):c.2129+1G>C

Gene: PHF8 (PHD finger protein 8; minus strand). Cytogenetic location: Xp11.22.
Variant type: single nucleotide variant.
Coding change: c.2129+1G>C on transcript NM_015107.3 (MANE Select); the canonical splice donor site of the intron after coding-DNA position 2129, G replaced by C.
Molecular consequence: splice donor variant. On other transcripts: intron variant (1).
Genome position (GRCh38, 1-based): chrX:53,985,815, C>G on the plus strand (G>C on the coding strand, the complement: PHF8 is on the minus strand). VCF-style: chrX-53985815-C-G. GRCh37 (hg19) VCF-style: chrX-54012248-C-G.
Other names: c.2237+1G>C (NM_001184896.1); c.1826+1G>C (NM_001184897.2); c.2039-31G>C (NM_001184898.2).
Identifiers: ClinVar variation 3776255 (VCV003776255.1).

ClinVar aggregate classification (germline): Likely pathogenic (1 of 4 stars; one submission).

Conditions:
Intellectual developmental disorder, X-linked, syndromic, Siderius type. Also called: Syndromic X-linked intellectual disability Siderius type. Identifiers: Orphanet 85287, MedGen C1846055, MONDO:0010286, OMIM 300263.

Submission:

3billion
Classification: Likely pathogenic for Intellectual developmental disorder, X-linked, syndromic, Siderius type. Last evaluated: 2024-01-09. Review status: criteria provided, single submitter. Criteria: ACMG Guidelines, 2015. Collection method: clinical testing. Allele origin: germline. Affected: yes.
Comment: The variant is not observed in the gnomAD v2.1.1 dataset. Predicted Consequence/Location: Canonical splice site: predicted to alter splicing and result in a loss or disruption of normal protein function. Multiple pathogenic loss-of-function variants are reported downstream of the variant. In silico tools predict the variant to alter splicing and produce an abnormal transcript [Splice AI: 0.96 (spliceogenicity >=0.2, non-spliceogenicity <0.1)]. Therefore, this variant is classified as Likely pathogenic according to the recommendation of ACMG/AMP guideline.